The following is an entry in ClinVar:

ClinVar aggregate classification (germline): Conflicting classifications of pathogenicity. Review status: criteria provided, conflicting classifications (1 of 4 stars). 4 submissions from 3 submitters: Uncertain significance (2); Benign (1); Likely benign (1). Last evaluated 2025-12-29.

Conditions:
Autosomal recessive Robinow syndrome (RRS1). Also called: ROR2-Related Robinow Syndrome; COSTOVERTEBRAL SEGMENTATION DEFECT WITH MESOMELIA; COVESDEM SYNDROME; ROBINOW SYNDROME, AUTOSOMAL RECESSIVE 1. Identifiers: Orphanet 1507, Orphanet 97360, MedGen C5399974, MONDO:0009999, OMIM 268310.
Brachydactyly type B1 (BDB1). Identifiers: Orphanet 572385, Orphanet 93383, MedGen C1862112, MONDO:0007220, OMIM 113000.

Allele frequency attached by ClinVar (database versions not stated): ESP Exome Variant Server 0.00008; TOPMed 0.00013; 1000 Genomes Project 30x 0.00016; 1000 Genomes Project 0.00020.
gnomAD v4.1: 257 of 1,612,564 alleles (0.016%); highest among the groups gnomAD compares: Non-Finnish European, 0.011%; 1 homozygote.

Submissions (4):

Labcorp Genetics (formerly Invitae), Labcorp
Classification: Likely benign. Last evaluated: 2025-12-29. Review status: criteria provided, single submitter. Criteria: Invitae Variant Classification Sherloc (09022015). Collection method: clinical testing. Allele origin: germline.

Blueprint Genetics
Classification: Uncertain significance. Last evaluated: 2024-10-24. Review status: criteria provided, single submitter. Criteria: ACMG Guidelines, 2015. Collection method: clinical testing. Allele origin: germline.

Illumina Laboratory Services, Illumina
Classification: Uncertain significance for Autosomal recessive Robinow syndrome. Last evaluated: 2018-01-12. Review status: criteria provided, single submitter. Criteria: ICSL Variant Classification Criteria 13 December 2019. Collection method: clinical testing. Allele origin: germline.

Illumina Laboratory Services, Illumina
Classification: Benign for Brachydactyly type B1. Last evaluated: 2018-01-12. Review status: criteria provided, single submitter. Criteria: ICSL Variant Classification Criteria 13 December 2019. Collection method: clinical testing. Allele origin: germline.
Comment: This variant was observed in the ICSL laboratory as part of a predisposition screen in an ostensibly healthy population. It had not been previously curated by ICSL or reported in the Human Gene Mutation Database (HGMD: prior to June 1st, 2018), and was therefore a candidate for classification through an automated scoring system. Utilizing variant allele frequency, disease prevalence and penetrance estimates, and inheritance mode, an automated score was calculated to assess if this variant is too frequent to cause the disease. Based on the score and internal cut-off values, a variant classified as benign is not then subjected to further curation. The score for this variant resulted in a classification of benign for this disease.

NM_004560.4(ROR2):c.1720G>T (p.Val574Leu)

Gene: ROR2 (ROR family WNT receptor 2; minus strand). Cytogenetic location: 9q22.31.
Variant type: single nucleotide variant.
Coding change: c.1720G>T on transcript NM_004560.4 (MANE Select); coding-DNA position 1720, G replaced by T.
Protein change: p.Val574Leu; replaces valine 574 with leucine.
Molecular consequence: missense variant.
Genome position (GRCh38, 1-based): chr9:91,724,774, C>A on the plus strand (G>T on the coding strand, the complement: ROR2 is on the minus strand). VCF-style: chr9-91724774-C-A. GRCh37 (hg19) VCF-style: chr9-94487056-C-A.
Other names: short protein forms V574L.
Identifiers: ClinVar variation 367501 (VCV000367501.10), dbSNP rs140579674, ClinGen allele CA5120595.